The following is an entry in ClinVar:

ClinVar aggregate classification (germline): Uncertain significance (1 of 4 stars; one submission).

Conditions:
Vissers-Bodmer syndrome. Identifiers: MedGen C5436647, MONDO:0033618, OMIM 619033.

Submission:

Victorian Clinical Genetics Services, Murdoch Childrens Research Institute
Classification: Uncertain significance for Vissers-Bodmer syndrome. Last evaluated: 2025-08-27. Review status: criteria provided, single submitter. Criteria: ACMG Guidelines, 2015. Collection method: clinical testing. Allele origin: germline. Affected: yes.
Comment: This variant is classified as VUS-3A. Evidence in support of pathogenic classification: Canonical splice site variant without proven consequence on splicing (no functional evidence available); Variant is absent from gnomAD (v2, v3 and v4); Abnormal splicing is predicted by in silico tool and affected nucleotide is highly conserved. Additional information: This variant is heterozygous; This gene is associated with autosomal dominant disease; Alternative nucleotide change(s) at the same canonical splice site are present in gnomAD (Highest allele count: v4: 1 heterozygote(s), 0 homozygote(s); This variant has no previous evidence of pathogenicity; No published evidence of segregation with disease has been identified for this variant; No published functional evidence has been identified for this variant; No comparable splice variants have previous evidence for pathogenicity; Loss of function is a known mechanism of disease in this gene and is associated with Vissers-Bodmer syndrome (MIM#619033); Variants in this gene are known to have variable expressivity (PMID: 32553196).

Literature cited by the submitters: PubMed 32553196.

NM_016284.5(CNOT1):c.2479+1G>C

Gene: CNOT1 (CCR4-NOT transcription complex subunit 1; minus strand). Cytogenetic location: 16q21.
Variant type: single nucleotide variant.
Coding change: c.2479+1G>C on transcript NM_016284.5 (MANE Select); the canonical splice donor site of the intron after coding-DNA position 2479, G replaced by C.
Molecular consequence: splice donor variant. On other transcripts: intron variant (1).
Genome position (GRCh38, 1-based): chr16:58,556,846, C>G on the plus strand (G>C on the coding strand, the complement: CNOT1 is on the minus strand). VCF-style: chr16-58556846-C-G. GRCh37 (hg19) VCF-style: chr16-58590750-C-G.
Other names: c.2464+16G>C (NM_001265612.2); c.2479+1G>C (NM_206999.3).
Identifiers: ClinVar variation 4531617 (VCV004531617.1).
Genomic context (GRCh38, chr16:58,556,846, plus strand): 5'-ACATACAACTAAACATTTTTATCAGTCACACTTCACAATCACAGACAACACTACCACTTA[C>G]AAGGTTTCATCTTACTCTGCTGGAATGTAGGCTGATTCAGTCCAGAGGTGCCCAGTTTCC-3'